The following is an entry in ClinVar:

NM_012469.4(PRPF6):c.1616G>A (p.Arg539Gln)

Genes: PRPF6 (pre-mRNA processing factor 6; plus strand), LOC126863090 (P300/CBP strongly-dependent group 1 enhancer GRCh37_chr20:62648052-62649251; plus strand). Cytogenetic location: 20q13.33.
Variant type: single nucleotide variant.
Coding change: c.1616G>A on transcript NM_012469.4 (MANE Select); coding-DNA position 1616, G replaced by A.
Protein change: p.Arg539Gln; replaces arginine 539 with glutamine.
Molecular consequence: missense variant.
Genome position (GRCh38, 1-based): chr20:64,016,814, G>A. VCF-style: chr20-64016814-G-A. GRCh37 (hg19) VCF-style: chr20-62648167-G-A.
Other names: c.1616G>A (NM_012469.3); short protein forms R539Q.
Identifiers: ClinVar variation 1046956 (VCV001046956.11), dbSNP rs149811894, ClinGen allele CA9972230.
Genomic context (GRCh38, chr20:64,016,814, plus strand): 5'-TGGCCACCTGCCAGGCCGTCATGCGTGCCGTGATTGGGATTGGGATTGAGGAGGAAGATC[G>A]GAAGCATACCTGGATGGAGGATGCTGACAGTGTGAGTTGGCAACAGGGGCCTTTGTCCGT-3'
Protein context (NP_036601.2, residues 529-549): VIGIGIEEED[Arg539Gln]KHTWMEDADS

ClinVar aggregate classification (germline): Uncertain significance. Review status: criteria provided, multiple submitters, no conflicts (2 of 4 stars). 2 submissions from 2 submitters: Uncertain significance (2). Last evaluated 2024-07-14.

Allele frequency attached by ClinVar (database versions not stated): gnomAD exomes 0.00005 and 0.00008; TOPMed 0.00005; gnomAD 0.00006 and 0.00007; ESP Exome Variant Server 0.00008; ExAC 0.00009.
gnomAD v4.1: 86 of 1,614,210 alleles (0.0053%); highest among the groups gnomAD compares: Middle Eastern, 0.016%; no homozygotes.

Submissions (2):

Ambry Genetics
Classification: Uncertain significance. Last evaluated: 2024-07-14. Review status: criteria provided, single submitter. Criteria: Ambry Variant Classification Scheme 2023. Collection method: clinical testing. Allele origin: germline.

Labcorp Genetics (formerly Invitae), Labcorp
Classification: Uncertain significance. Last evaluated: 2024-06-09. Review status: criteria provided, single submitter. Criteria: Invitae Variant Classification Sherloc (09022015). Collection method: clinical testing. Allele origin: germline.
Comment: This sequence change replaces arginine, which is basic and polar, with glutamine, which is neutral and polar, at codon 539 of the PRPF6 protein (p.Arg539Gln). This variant is present in population databases (rs149811894, gnomAD 0.03%). This missense change has been observed in individual(s) with suspected Leber hereditary optic neuropathy (Invitae). ClinVar contains an entry for this variant (Variation ID: 1046956). Advanced modeling of protein sequence and biophysical properties (such as structural, functional, and spatial information, amino acid conservation, physicochemical variation, residue mobility, and thermodynamic stability) performed at Invitae indicates that this missense variant is not expected to disrupt PRPF6 protein function with a negative predictive value of 80%. In summary, the available evidence is currently insufficient to determine the role of this variant in disease. Therefore, it has been classified as a Variant of Uncertain Significance.